The following is an entry in ClinVar:

ClinVar aggregate classification (germline): Uncertain significance (1 of 4 stars; one submission).

Conditions:
TRPC5-related disorder. Also called: TRPC5-related condition.

gnomAD v4.1: 3 of 1,209,724 alleles (0.00025%); highest among the groups gnomAD compares: Admixed American, 0.0066%; no homozygotes.

Submission:

PreventionGenetics, part of Exact Sciences
Classification: Uncertain significance for TRPC5-related condition. Last evaluated: 2025-07-01. Review status: criteria provided, single submitter. Criteria: ACMG Guidelines, 2015. Collection method: clinical testing. Allele origin: germline.
Comment: The TRPC5 c.697G>T variant is predicted to result in the amino acid substitution p.Val233Leu. To our knowledge, this variant has not been reported in the literature. This variant is reported in 0.0071% of alleles in individuals of Latino descent in gnomAD. At this time, the clinical significance of this variant is uncertain due to the absence of conclusive functional and genetic evidence.

NM_012471.3(TRPC5):c.697G>T (p.Val233Leu)

Gene: TRPC5 (transient receptor potential cation channel subfamily C member 5; minus strand). Cytogenetic location: Xq23.
Variant type: single nucleotide variant.
Coding change: c.697G>T on transcript NM_012471.3 (MANE Select); coding-DNA position 697, G replaced by T.
Protein change: p.Val233Leu; replaces valine 233 with leucine.
Molecular consequence: missense variant.
Genome position (GRCh38, 1-based): chrX:111,912,494, C>A on the plus strand (G>T on the coding strand, the complement: TRPC5 is on the minus strand). VCF-style: chrX-111912494-C-A. GRCh37 (hg19) VCF-style: chrX-111155722-C-A.
Other names: short protein forms V233L.
Identifiers: ClinVar variation 4986721 (VCV004986721.1).